The following is an entry in ClinVar:

NM_032444.4(SLX4):c.440C>T (p.Ala147Val)

Gene: SLX4 (SLX4 structure-specific endonuclease subunit; minus strand). Cytogenetic location: 16p13.3.
Variant type: single nucleotide variant.
Coding change: c.440C>T on transcript NM_032444.4 (MANE Select); coding-DNA position 440, C replaced by T.
Protein change: p.Ala147Val; replaces alanine 147 with valine.
Molecular consequence: missense variant.
Genome position (GRCh38, 1-based): chr16:3,608,525, G>A on the plus strand (C>T on the coding strand, the complement: SLX4 is on the minus strand). VCF-style: chr16-3608525-G-A. GRCh37 (hg19) VCF-style: chr16-3658526-G-A.
Other names: short protein forms A147V.
Identifiers: ClinVar variation 2201786 (VCV002201786.3), dbSNP rs375834712, ClinGen allele CA7866870.

ClinVar aggregate classification (germline): Uncertain significance (1 of 4 stars; one submission).

Conditions:
Fanconi anemia (FA). Also called: Fanconi's anemia. Identifiers: Orphanet 84, MedGen C0015625, MeSH D005199, MONDO:0019391.

Allele frequency attached by ClinVar (database versions not stated): gnomAD exomes below 0.00001; TOPMed below 0.00001; gnomAD 0.00001; ExAC 0.00002; ESP Exome Variant Server 0.00008.
gnomAD v4.1: 4 of 1,614,076 alleles (0.00025%); highest among the groups gnomAD compares: African/African-American, 0.004%; no homozygotes.

Submission:

Labcorp Genetics (formerly Invitae), Labcorp
Classification: Uncertain significance for Fanconi anemia. Last evaluated: 2022-07-02. Review status: criteria provided, single submitter. Criteria: Invitae Variant Classification Sherloc (09022015). Collection method: clinical testing. Allele origin: germline.
Comment: This sequence change replaces alanine, which is neutral and non-polar, with valine, which is neutral and non-polar, at codon 147 of the SLX4 protein (p.Ala147Val). This variant is present in population databases (rs375834712, gnomAD 0.02%). This variant has not been reported in the literature in individuals affected with SLX4-related conditions. Algorithms developed to predict the effect of missense changes on protein structure and function output the following: SIFT: "Tolerated"; PolyPhen-2: "Benign"; Align-GVGD: "Class C0". The valine amino acid residue is found in multiple mammalian species, which suggests that this missense change does not adversely affect protein function. Algorithms developed to predict the effect of sequence changes on RNA splicing suggest that this variant may create or strengthen a splice site. In summary, the available evidence is currently insufficient to determine the role of this variant in disease. Therefore, it has been classified as a Variant of Uncertain Significance.